The following is an entry in ClinVar:

NM_002907.4(RECQL):c.1786A>C (p.Asn596His)

Genes: PYROXD1 (pyridine nucleotide-disulphide oxidoreductase domain 1; plus strand), RECQL (RecQ like helicase; minus strand). Cytogenetic location: 12p12.1.
Variant type: single nucleotide variant.
Coding change: c.1786A>C on transcript NM_002907.4 (MANE Select); coding-DNA position 1786, A replaced by C.
Protein change: p.Asn596His; replaces asparagine 596 with histidine.
Molecular consequence: missense variant. On other transcripts: 3 prime UTR variant (3).
Genome position (GRCh38, 1-based): chr12:21,470,980, T>G on the plus strand (A>C on the coding strand, the complement: RECQL is on the minus strand). VCF-style: chr12-21470980-T-G. GRCh37 (hg19) VCF-style: chr12-21623914-T-G.
Other names: c.*2226T>G (NM_001350912.2, NM_001350913.2, NM_024854.5); c.1786A>C, p.Asn596His (NM_032941.3); short protein forms N596H.
Identifiers: ClinVar variation 1951064 (VCV001951064.5), dbSNP rs2540313040, ClinGen allele CA384114347.
Genomic context (GRCh38, chr12:21,470,980, plus strand): 5'-TTAATATACTTTTTAAAATATATAAAACTGAAAATTAATAGCCATTTACCCTGAAAGAGT[T>G]CTGCGTGGACTTTGTCACTTGCATAGTAATAGCATGTGCCTCATTGTTCAGAAGATTAGC-3'
Protein context (NP_002898.2, residues 586-606): ITMQVTKSTQ[Asn596His]SFRAESSQTC

ClinVar aggregate classification (germline): Uncertain significance (1 of 4 stars; one submission).

Submission:

Labcorp Genetics (formerly Invitae), Labcorp
Classification: Uncertain significance. Last evaluated: 2024-01-02. Review status: criteria provided, single submitter. Criteria: Invitae Variant Classification Sherloc (09022015). Collection method: clinical testing. Allele origin: germline.
Comment: This sequence change replaces asparagine, which is neutral and polar, with histidine, which is basic and polar, at codon 596 of the RECQL protein (p.Asn596His). This variant is not present in population databases (gnomAD no frequency). This variant has not been reported in the literature in individuals affected with RECQL-related conditions. ClinVar contains an entry for this variant (Variation ID: 1951064). Advanced modeling of protein sequence and biophysical properties (such as structural, functional, and spatial information, amino acid conservation, physicochemical variation, residue mobility, and thermodynamic stability) performed at Invitae indicates that this missense variant is not expected to disrupt RECQL protein function with a negative predictive value of 80%. In summary, the available evidence is currently insufficient to determine the role of this variant in disease. Therefore, it has been classified as a Variant of Uncertain Significance.